The following is an entry in ClinVar:

NM_014855.3(AP5Z1):c.1161C>T (p.Ala387=)

Gene: AP5Z1 (adaptor related protein complex 5 subunit zeta 1; plus strand). Cytogenetic location: 7p22.1.
Variant type: single nucleotide variant.
Coding change: c.1161C>T on transcript NM_014855.3 (MANE Select); coding-DNA position 1161, C replaced by T.
Protein change: p.Ala387=; no amino-acid change (alanine 387 retained).
Molecular consequence: synonymous variant. On other transcripts: non-coding transcript variant (1).
Genome position (GRCh38, 1-based): chr7:4,786,278, C>T. VCF-style: chr7-4786278-C-T. GRCh37 (hg19) VCF-style: chr7-4825909-C-T.
Other names: c.693C>T, p.Ala231= (NM_001364858.1).
Identifiers: ClinVar variation 2138371 (VCV002138371.9), dbSNP rs373628724, ClinGen allele CA4137664.

ClinVar aggregate classification (germline): Likely benign. Review status: criteria provided, multiple submitters, no conflicts (2 of 4 stars). 2 submissions from 2 submitters: Likely benign (2). Last evaluated 2025-12-01.

Conditions:
Hereditary spastic paraplegia 48. Also called: SPASTIC PARAPLEGIA 48, AUTOSOMAL RECESSIVE; Spastic paraplegia 48. Identifiers: Orphanet 306511, MedGen C3150901, MONDO:0013342, OMIM 613647.

Allele frequency attached by ClinVar (database versions not stated): gnomAD 0.00005; TOPMed 0.00006; ESP Exome Variant Server 0.00008.
gnomAD v4.1: 90 of 1,611,538 alleles (0.0056%); highest among the groups gnomAD compares: Middle Eastern, 0.016%; no homozygotes.

Submissions (2):

CeGaT Center for Human Genetics Tuebingen
Classification: Likely benign. Last evaluated: 2025-12-01. Review status: criteria provided, single submitter. Criteria: CeGaT Center For Human Genetics Tuebingen Variant Classification Criteria Version 2. Collection method: clinical testing. Allele origin: germline. Affected: yes. Observed: 1 variant allele.
Comment: AP5Z1: BP4, BP7

Labcorp Genetics (formerly Invitae), Labcorp
Classification: Likely benign for Hereditary spastic paraplegia 48. Last evaluated: 2024-03-11. Review status: criteria provided, single submitter. Criteria: Invitae Variant Classification Sherloc (09022015). Collection method: clinical testing. Allele origin: germline.